The following is an entry in ClinVar:

ClinVar aggregate classification (germline): Likely pathogenic. Review status: criteria provided, multiple submitters, no conflicts (2 of 4 stars). 4 submissions from 4 submitters: Likely pathogenic (2). 2 of the submissions do not count toward it. Last evaluated 2025-12-01.

Conditions:
Meniere disease. Also called: Ménière's disease. Identifiers: MedGen C0025281, MONDO:0007972, OMIM 156000.
Hematuria. Identifiers: MedGen C0018965, HP:0000790.
Autosomal dominant Alport syndrome (ATS3A). Also called: ALPORT SYNDROME 3A, AUTOSOMAL DOMINANT; Alport syndrome dominant type; Renal failure and sensorineural hearing loss. Identifiers: Orphanet 63, Orphanet 88918, MedGen C5882663, MONDO:0007086, OMIM 104200.

Allele frequency attached by ClinVar (database versions not stated): gnomAD exomes below 0.00001 and 0.00003; gnomAD 0.00001.
gnomAD v4.1: 45 of 1,614,048 alleles (0.0028%); highest among the groups gnomAD compares: Non-Finnish European, 0.0038%; no homozygotes.

Submissions (4):

Genetics Laboratory, Great Ormond Street Hospital NHS Foundation Trust, North Thames Genomic Laboratory Hub
Classification: Likely pathogenic for Haematuria. Last evaluated: 2025-12-01. Review status: criteria provided, single submitter. Criteria: ACGS Best Practice Guidelines for Variant Classification in Rare Disease 2024 v1.2. Collection method: clinical testing. Allele origin: germline. Affected: yes.
Comment: PS4_moderate, PM2_moderate, PP3_supporting, PM3_moderate, PP4_supporting

Labcorp Genetics (formerly Invitae), Labcorp
Classification: Likely pathogenic. Last evaluated: 2024-12-18. Review status: criteria provided, single submitter. Criteria: Invitae Variant Classification Sherloc (09022015). Collection method: clinical testing. Allele origin: germline.
Comment: This sequence change replaces glycine, which is neutral and non-polar, with serine, which is neutral and polar, at codon 1508 of the COL4A4 protein (p.Gly1508Ser). This variant also falls at the last nucleotide of exon 46, which is part of the consensus splice site for this exon. This variant is present in population databases (no rsID available, gnomAD 0.0009%). This missense change has been observed in individual(s) with clinical features of Alport syndrome (PMID: 24052634; internal data). In at least one individual the data is consistent with being in trans (on the opposite chromosome) from a pathogenic variant. ClinVar contains an entry for this variant (Variation ID: 829920). Experimental studies and prediction algorithms are not available or were not evaluated, and the functional significance of this variant is currently unknown. Variants that disrupt the consensus splice site are a relatively common cause of aberrant splicing (PMID: 17576681, 9536098). Algorithms developed to predict the effect of sequence changes on RNA splicing suggest that this variant may disrupt the consensus splice site. In summary, the currently available evidence indicates that the variant is pathogenic, but additional data are needed to prove that conclusively. Therefore, this variant has been classified as Likely Pathogenic.

Center for Computational Biology & Bioinformatics, University of California, San Diego
Classification: Uncertain significance for Meniere disease. Last evaluated: 2024-06-03. Review status: no assertion criteria provided. Collection method: research. Allele origin: germline. Affected: yes. Not counted in ClinVar's aggregate classification.

Bioscientia Institut fuer Medizinische Diagnostik GmbH, Sonic Healthcare
Classification: Pathogenic for Autosomal dominant Alport syndrome. Last evaluated: 2019-11-19. Review status: no assertion criteria provided. Collection method: clinical testing. Allele origin: germline. Affected: yes. Not counted in ClinVar's aggregate classification.

Literature cited by the submitters: PubMed 24052634 (cited by Labcorp Genetics (formerly Invitae), Labcorp); PubMed 17576681 (cited by Labcorp Genetics (formerly Invitae), Labcorp); PubMed 9536098 (cited by Labcorp Genetics (formerly Invitae), Labcorp).

NM_000092.5(COL4A4):c.4522G>A (p.Gly1508Ser)

Gene: COL4A4 (collagen type IV alpha 4 chain; minus strand). Cytogenetic location: 2q36.3.
Variant type: single nucleotide variant.
Coding change: c.4522G>A on transcript NM_000092.5 (MANE Select); coding-DNA position 4522, G replaced by A.
Protein change: p.Gly1508Ser; replaces glycine 1508 with serine.
Molecular consequence: missense variant.
Genome position (GRCh38, 1-based): chr2:227,010,313, C>T on the plus strand (G>A on the coding strand, the complement: COL4A4 is on the minus strand). VCF-style: chr2-227010313-C-T. GRCh37 (hg19) VCF-style: chr2-227875029-C-T.
Other names: short protein forms G1508S.
Identifiers: ClinVar variation 829920 (VCV000829920.11), dbSNP rs1003748020, ClinGen allele CA66541319.